The following is an entry in ClinVar:

ClinVar aggregate classification (germline): Uncertain significance (1 of 4 stars; one submission).

Conditions:
Heterotopia, periventricular, X-linked dominant (PVNH1). Also called: PERIVENTRICULAR NODULAR HETEROTOPIA 1; X-linked periventricular heterotopia; PERIVENTRICULAR NODULAR HETEROTOPIA 4; HETEROTOPIA, PERIVENTRICULAR, 1. Identifiers: Orphanet 2149, Orphanet 82004, MedGen C1848213, MONDO:0010233, OMIM 300049.
Melnick-Needles syndrome (MNS). Also called: Melnick-Needles Syndrome (FLNA-MNS); MELNICK-NEEDLES OSTEODYSPLASTY; OSTEODYSPLASTY OF MELNICK AND NEEDLES. Identifiers: Orphanet 2484, MedGen C0025237, MONDO:0010650, OMIM 309350.
Frontometaphyseal dysplasia (FMD1). Identifiers: Orphanet 1826, MedGen C0265293, MONDO:0015942.
Oto-palato-digital syndrome, type II (OPD2). Also called: Otopalatodigital Syndrome Type 2 (FLNA-OPD2); FACIOPALATOOSSEOUS SYNDROME; OPD II SYNDROME; Otopalatodigital Syndrome, Type II. Identifiers: Orphanet 669, Orphanet 90652, MedGen C1844696, MONDO:0010571, OMIM 304120.

Allele frequency attached by ClinVar (database versions not stated): gnomAD exomes below 0.00001.
gnomAD v4.1: 1 of 1,210,323 alleles (0.000083%); highest among the groups gnomAD compares: Non-Finnish European, 0.00011%; no homozygotes.

Submission:

Labcorp Genetics (formerly Invitae), Labcorp
Classification: Uncertain significance for Oto-palato-digital syndrome, type II; Heterotopia, periventricular, X-linked dominant; Frontometaphyseal dysplasia; Melnick-Needles syndrome. Last evaluated: 2023-10-05. Review status: criteria provided, single submitter. Criteria: Invitae Variant Classification Sherloc (09022015). Collection method: clinical testing. Allele origin: germline.
Comment: This sequence change replaces leucine, which is neutral and non-polar, with valine, which is neutral and non-polar, at codon 1892 of the FLNA protein (p.Leu1892Val). This variant is not present in population databases (gnomAD no frequency). This variant has not been reported in the literature in individuals affected with FLNA-related conditions. Advanced modeling of protein sequence and biophysical properties (such as structural, functional, and spatial information, amino acid conservation, physicochemical variation, residue mobility, and thermodynamic stability) performed at Invitae indicates that this missense variant is not expected to disrupt FLNA protein function. In summary, the available evidence is currently insufficient to determine the role of this variant in disease. Therefore, it has been classified as a Variant of Uncertain Significance.

NM_001110556.2(FLNA):c.5698C>G (p.Leu1900Val)

Gene: FLNA (filamin A; minus strand). Cytogenetic location: Xq28.
Variant type: single nucleotide variant.
Coding change: c.5698C>G on transcript NM_001110556.2 (MANE Select); coding-DNA position 5698, C replaced by G.
Protein change: p.Leu1900Val; replaces leucine 1900 with valine.
Molecular consequence: missense variant.
Genome position (GRCh38, 1-based): chrX:154,353,716, G>C on the plus strand (C>G on the coding strand, the complement: FLNA is on the minus strand). VCF-style: chrX-154353716-G-C. GRCh37 (hg19) VCF-style: chrX-153582084-G-C.
Other names: c.5674C>G, p.Leu1892Val (NM_001456.4); short protein forms L1900V, L1892V.
Identifiers: ClinVar variation 2952552 (VCV002952552.3), dbSNP rs782261415, ClinGen allele CA415200053.